The following is an entry in ClinVar:

NM_001009944.3(PKD1):c.3184_3185del (p.Gln1062fs)

Gene: PKD1 (polycystin 1, transient receptor potential channel interacting; minus strand). Cytogenetic location: 16p13.3.
Variant type: Deletion.
Coding change: c.3184_3185del on transcript NM_001009944.3 (MANE Select); coding-DNA positions 3184 to 3185, 2 bases deleted (CA; older notation c.3184_3185delCA).
Protein change: p.Gln1062fs; shifts the reading frame from glutamine 1062.
Molecular consequence: frameshift variant.
Genome position (GRCh38, 1-based): chr16:2,112,450-2,112,451, TG deleted on the plus strand (CA on the coding strand, the reverse complement: PKD1 is on the minus strand). VCF-style (leftmost placement, unchanged base first): chr16-2112449-CTG-C. GRCh37 (hg19) VCF-style: chr16-2162450-CTG-C.
Other names: c.3184_3185del, p.Gln1062fs (NM_000296.4); c.3184_3185delCA, p.Gln1062Glyfs (NM_001009944.2); short protein forms Q1062fs.
Identifiers: ClinVar variation 4082486 (VCV004082486.2).

ClinVar aggregate classification (germline): Likely pathogenic (1 of 4 stars; one submission).

Submission:

Genetic Services Laboratory, University of Chicago
Classification: Likely pathogenic. Last evaluated: 2023-10-12. Review status: criteria provided, single submitter. Criteria: ACMG Guidelines, 2015. Collection method: clinical testing. Allele origin: germline. Affected: yes.
Comment: DNA sequence analysis of the PKD1 gene demonstrated a two base pair deletion in exon 14, c.3184_3185del. This pathogenic sequence change results in an amino acid frameshift and creates a premature stop codon 38 amino acids downstream of the change, p.Gln1062Glyfs*38. This likely pathogenic sequence change is predicted to result in an abnormal transcript, which may be degraded, or may lead to the production of a truncated PKD1 protein with potentially abnormal function. While this particular sequence change has not been previously described in individuals with PKD1-related disorders, a sequence change in this amino acid residue that results in a premature stop codon (p.Gln1062*) and other frameshift variants in this region of the PKD1 protein have been previously reported in individuals with autosomal dominant polycystic kidney disease [PMID: 35778421, 22508176, 33437033, 17582161]. The c.3184_3185del sequence change has not been described in the population databases such as ExAC and gnomAD. Collectively, this evidence indicates that this sequence change is likely pathogenic; however, functional studies have not been performed to prove this conclusively.